The following is an entry in ClinVar:

ClinVar aggregate classification (germline): Uncertain significance. Review status: criteria provided, multiple submitters, no conflicts (2 of 4 stars). 2 submissions from 2 submitters: Uncertain significance (2). Last evaluated 2023-10-06.

Submissions (2):

Ambry Genetics
Classification: Uncertain significance. Last evaluated: 2023-10-06. Review status: criteria provided, single submitter. Criteria: Ambry Variant Classification Scheme 2023. Collection method: clinical testing. Allele origin: germline.
Comment: The p.G481E variant (also known as c.1442G>A), located in coding exon 8 of the GALNT12 gene, results from a G to A substitution at nucleotide position 1442. The glycine at codon 481 is replaced by glutamic acid, an amino acid with similar properties. This amino acid position is conserved. In addition, this alteration is predicted to be deleterious by in silico analysis. Since supporting evidence is limited at this time, the clinical significance of this alteration remains unclear.

Labcorp Genetics (formerly Invitae), Labcorp
Classification: Uncertain significance. Last evaluated: 2021-05-18. Review status: criteria provided, single submitter. Criteria: Invitae Variant Classification Sherloc (09022015). Collection method: clinical testing. Allele origin: germline.
Comment: This sequence change replaces glycine with glutamic acid at codon 481 of the GALNT12 protein (p.Gly481Glu). The glycine residue is highly conserved and there is a moderate physicochemical difference between glycine and glutamic acid. This variant is not present in population databases (ExAC no frequency). This variant has not been reported in the literature in individuals with GALNT12-related conditions. Algorithms developed to predict the effect of missense changes on protein structure and function are either unavailable or do not agree on the potential impact of this missense change (SIFT: "Deleterious"; PolyPhen-2: "Probably Damaging"; Align-GVGD: "Class C0"). In summary, the available evidence is currently insufficient to determine the role of this variant in disease. Therefore, it has been classified as a Variant of Uncertain Significance.

NM_024642.5(GALNT12):c.1442G>A (p.Gly481Glu)

Gene: GALNT12 (polypeptide N-acetylgalactosaminyltransferase 12; plus strand). Cytogenetic location: 9q22.33.
Variant type: single nucleotide variant.
Coding change: c.1442G>A on transcript NM_024642.5 (MANE Select); coding-DNA position 1442, G replaced by A.
Protein change: p.Gly481Glu; replaces glycine 481 with glutamic acid.
Molecular consequence: missense variant.
Genome position (GRCh38, 1-based): chr9:98,844,193, G>A. VCF-style: chr9-98844193-G-A. GRCh37 (hg19) VCF-style: chr9-101606475-G-A.
Other names: c.1442G>A (NM_024642.4); short protein forms G481E.
Identifiers: ClinVar variation 1431758 (VCV001431758.9), dbSNP rs2118494434, ClinGen allele CA374221531.